The following is an entry in ClinVar:

NM_001308093.3(GATA4):c.*852G>A

Gene: GATA4 (GATA binding protein 4). Cytogenetic location: 8p23.1.
Variant type: single nucleotide variant.
Coding change: c.*852G>A on transcript NM_001308093.3 (MANE Select); 852 bases downstream of the stop codon, G replaced by A.
Molecular consequence: 3 prime UTR variant.
Genome position (GRCh38, 1-based): chr8:11,759,327, G>A. VCF-style: chr8-11759327-G-A. GRCh37 (hg19) VCF-style: chr8-11616836-G-A.
Other names: c.*852G>A (NM_001308094.2, NM_001374273.1, NM_001374274.1 and 2 more transcripts).
Identifiers: ClinVar variation 433024 (VCV000433024.11), dbSNP rs804290, ClinGen allele CA12936510.
Genomic context (GRCh38, chr8:11,759,327, plus strand): 5'-TCACTGCAGACCCTTCGTTCACCGTGTCACACATAGAGGGGTTCTGAGTAAGAACAAAAC[G>A]TTCTGCTGCTCAAGCCAGTCTGGCAAGCACTCAGCCCAGCCTCGAGGTCCTTCTGGGGAG-3'

ClinVar aggregate classification (germline): Benign/Likely benign. Review status: criteria provided, multiple submitters, no conflicts (2 of 4 stars). 7 submissions from 7 submitters: Benign (3); Likely benign (1). 3 of the submissions do not count toward it. Last evaluated 2025-09-10.

Conditions:
GATA4-related congenital heart disease with or without pancreatic hypoplasia or diabetes. Also called: Structural congenital heart disease, multiple types - GATA4. Identifiers: MedGen CN323671, MONDO:0100009.
GATA4-related disorder. Also called: GATA4-related condition. Identifiers: MedGen CN860321.
Congenital heart disease (CHD). Identifiers: MedGen C0152021, MONDO:0005453. Disease mechanism: unknown.
Achondroplasia (ACH). Also called: Achondroplastic dwarfism. Identifiers: Orphanet 15, MedGen C0001080, MONDO:0007037, OMIM 100800. Disease mechanism: gain of function.

Allele frequency attached by ClinVar (database versions not stated): 1000 Genomes Project 0.11701; 1000 Genomes Project 30x 0.11946; TOPMed 0.15512; gnomAD 0.15840 and 0.16049; gnomAD exomes 0.19920.

Submissions (7):

Genomic Medicine Center of Excellence, King Faisal Specialist Hospital and Research Centre
Classification: Likely benign for Achondroplasia. Last evaluated: 2025-09-10. Review status: criteria provided, single submitter. Criteria: ACMG Guidelines, 2015. Collection method: clinical testing. Allele origin: germline.

Department of Pathology and Laboratory Medicine, Sinai Health System
Classification: Benign for structural congenital heart disease, multiple types - GATA4. Last evaluated: 2023-04-24. Review status: criteria provided, single submitter. Criteria: ACMG Guidelines, 2015. Collection method: research. Allele origin: germline.

GeneDx
Classification: Benign. Last evaluated: 2021-05-12. Review status: criteria provided, single submitter. Criteria: GeneDx Variant Classification Process June 2021. Collection method: clinical testing. Allele origin: germline. Affected: yes.

Breakthrough Genomics
Classification: Benign. Review status: criteria provided, single submitter. Criteria: ACMG Guidelines, 2015. Collection method: not provided. Allele origin: germline. Inheritance: Autosomal dominant inheritance. Affected: yes.

PreventionGenetics, part of Exact Sciences
Classification: Benign for GATA4-related condition. Last evaluated: 2021-09-16. Review status: no assertion criteria provided. Collection method: clinical testing. Allele origin: germline. Not counted in ClinVar's aggregate classification.
Comment: This variant is classified as benign based on ACMG/AMP sequence variant interpretation guidelines (Richards et al. 2015 PMID: 25741868, with internal and published modifications).

Reproductive Health Research and Development, BGI Genomics
Classification: Benign for Congenital heart disease. Last evaluated: 2020-01-06. Review status: no assertion criteria provided. Collection method: curation. Allele origin: germline. Not counted in ClinVar's aggregate classification.
Comment: NM_002052.3:c.*852G>A in the gene GATA4 has an allele frequency of 0.228 in European (non-Finnish) subpopulation in the gnomAD database. 460 homozygous occurrences are observed in the gnomAD database. This evidence suggests the variant to be classified as benign. ACMG/AMP criteria applied: BA1; BS2.

Central Research Laboratory, Sri Devaraj Urs Academy of Higher Education and Research
Classification: Pathogenic for Congenital heart disease. Last evaluated: 2017-01-07. Review status: no assertion criteria provided. Collection method: clinical testing. Allele origin: unknown. Affected: yes. Observed: 24 variant alleles. Not counted in ClinVar's aggregate classification.
Comment: This variant, NG_008177.2:g.87409G>A, leads to the formation of SRp40 ISE binding motif and disruption of ISS binding motif 1.

Literature cited by the submitters: PubMed 27426723 (cited by Central Research Laboratory, Sri Devaraj Urs Academy of Higher Education and Research).